The following is an entry in ClinVar:

ClinVar aggregate classification (germline): Pathogenic (1 of 4 stars; one submission).

Conditions:
Neuronal ceroid lipofuscinosis. Also called: Neuronal Ceroid Lipofuscinoses. Identifiers: Orphanet 216, Orphanet 79263, MedGen C0027877, MONDO:0016295. Disease mechanism: loss of function.

Submission:

Labcorp Genetics (formerly Invitae), Labcorp
Classification: Pathogenic for Neuronal ceroid lipofuscinosis. Last evaluated: 2023-10-03. Review status: criteria provided, single submitter. Criteria: Invitae Variant Classification Sherloc (09022015). Collection method: clinical testing. Allele origin: germline.
Comment: This sequence change creates a premature translational stop signal (p.Asn304Lysfs*18) in the CLN5 gene. While this is not anticipated to result in nonsense mediated decay, it is expected to disrupt the last 104 amino acid(s) of the CLN5 protein. This variant is not present in population databases (gnomAD no frequency). This variant has not been reported in the literature in individuals affected with CLN5-related conditions. ClinVar contains an entry for this variant (Variation ID: 2004384). This variant disrupts a region of the CLN5 protein in which other variant(s) (p.Tyr392*) have been determined to be pathogenic (PMID: 9662406, 11971870, 20052765, 24038957, 24058541; Invitae). This suggests that this is a clinically significant region of the protein, and that variants that disrupt it are likely to be disease-causing. For these reasons, this variant has been classified as Pathogenic.

Literature cited by the submitters: PubMed 9662406; PubMed 11971870; PubMed 20052765; PubMed 24038957; PubMed 24058541.

NM_006493.4(CLN5):c.764dup (p.Asn255fs)

Gene: CLN5 (CLN5 lysosomal BMP synthase; plus strand). Cytogenetic location: 13q22.3.
Variant type: Duplication.
Coding change: c.764dup on transcript NM_006493.4 (MANE Select); coding-DNA position 764, one base duplicated (A; older notation c.764dupA).
Protein change: p.Asn255fs; shifts the reading frame from asparagine 255.
Molecular consequence: frameshift variant. On other transcripts: 3 prime UTR variant (1).
Genome position (GRCh38, 1-based): chr13:77,000,656, A duplicated; the last of 2 consecutive A bases (chr13:77,000,655-77,000,656); duplicating either gives the same sequence. VCF-style (leftmost placement, unchanged base first): chr13-77000654-C-CA. GRCh37 (hg19) VCF-style: chr13-77574789-C-CA.
Other names: c.*213dup (NM_001366624.2); short protein forms N255fs.
Identifiers: ClinVar variation 2004384 (VCV002004384.4), dbSNP rs2501155992, ClinGen allele CA2580087777.